The following is an entry in ClinVar:

ClinVar aggregate classification (germline): Likely benign. Review status: criteria provided, multiple submitters, no conflicts (2 of 4 stars). 3 submissions from 3 submitters: Likely benign (3). Last evaluated 2025-12-08.

Allele frequency attached by ClinVar (database versions not stated): TOPMed 0.00006; ExAC 0.00007; gnomAD 0.00008 and 0.00009.
gnomAD v4.1: 194 of 1,613,568 alleles (0.012%); highest among the groups gnomAD compares: Non-Finnish European, 0.016%; no homozygotes.

Submissions (3):

Labcorp Genetics (formerly Invitae), Labcorp
Classification: Likely benign. Last evaluated: 2025-12-08. Review status: criteria provided, single submitter. Criteria: Invitae Variant Classification Sherloc (09022015). Collection method: clinical testing. Allele origin: germline.

CeGaT Center for Human Genetics Tuebingen
Classification: Likely benign. Last evaluated: 2025-08-01. Review status: criteria provided, single submitter. Criteria: CeGaT Center For Human Genetics Tuebingen Variant Classification Criteria Version 2. Collection method: clinical testing. Allele origin: germline. Affected: yes. Observed: 2 variant alleles.
Comment: USH2A: BP4, BP7

Blueprint Genetics
Classification: Likely benign. Last evaluated: 2024-05-31. Review status: criteria provided, single submitter. Criteria: ACMG Guidelines, 2015. Collection method: clinical testing. Allele origin: germline.

NM_206933.4(USH2A):c.11013T>G (p.Pro3671=)

Gene: USH2A (usherin; minus strand). Cytogenetic location: 1q41.
Variant type: single nucleotide variant.
Coding change: c.11013T>G on transcript NM_206933.4 (MANE Select); coding-DNA position 11013, T replaced by G.
Protein change: p.Pro3671=; no amino-acid change (proline 3671 retained).
Molecular consequence: synonymous variant.
Genome position (GRCh38, 1-based): chr1:215,766,715, A>C on the plus strand (T>G on the coding strand, the complement: USH2A is on the minus strand). VCF-style: chr1-215766715-A-C. GRCh37 (hg19) VCF-style: chr1-215940057-A-C.
Identifiers: ClinVar variation 444197 (VCV000444197.54), dbSNP rs777699434, ClinGen allele CA1393849.